The following is an entry in ClinVar:

ClinVar aggregate classification (germline): Pathogenic (1 of 4 stars; one submission).

Submission:

GeneDx
Classification: Pathogenic. Last evaluated: 2017-06-19. Review status: criteria provided, single submitter. Criteria: GeneDx Variant Classification (06012015). Collection method: clinical testing. Allele origin: germline. Affected: yes.
Comment: The P282T variant in the GABRG2 gene has not been published as a pathogenic variant, nor has it been reported as a benign variant to our knowledge. However, a different missense variant at the same position (P282S) has been reported as a de novo change in an individual with epileptic encephalopathy (Shen et al., 2016). The P282T variant is not observed in large population cohorts (Lek et al., 2016; 1000 Genomes Consortium et al., 2015; Exome Variant Server). The P282T variant is a non-conservative amino acid substitution, which is likely to impact secondary protein structure as these residues differ in polarity, charge, size and/or other properties. This substitution occurs at a position that is conserved across species, and in silico analysis predicts this variant is probably damaging to the protein structure/function. Additionally, targeted parental testing results indicate this variant is apparently de novo in multiple individuals tested at GeneDx.

NM_198904.4(GABRG2):c.844C>A (p.Pro282Thr)

Gene: GABRG2 (gamma-aminobutyric acid type A receptor subunit gamma2; plus strand). Cytogenetic location: 5q34.
Variant type: single nucleotide variant.
Coding change: c.844C>A on transcript NM_198904.4 (MANE Select); coding-DNA position 844, C replaced by A.
Protein change: p.Pro282Thr; replaces proline 282 with threonine.
Molecular consequence: missense variant.
Genome position (GRCh38, 1-based): chr5:162,142,238, C>A. VCF-style: chr5-162142238-C-A. GRCh37 (hg19) VCF-style: chr5-161569244-C-A.
Other names: p.P282T:CCC>ACC; c.835C>A, p.Pro279Thr (NM_001375339.1); c.844C>A, p.Pro282Thr (NM_001375340.1, NM_000816.3); c.841C>A, p.Pro281Thr (NM_001375341.1, NM_001375342.1); c.964C>A, p.Pro322Thr (NM_001375343.1, NM_198903.2); c.883C>A, p.Pro295Thr (NM_001375344.1); c.778C>A, p.Pro260Thr (NM_001375345.1, NM_001375346.1); c.757C>A, p.Pro253Thr (NM_001375347.1); and 2 more; short protein forms P282T, P322T, P142T, P187T, P253T, P260T, P279T, P281T.
Identifiers: ClinVar variation 205546 (VCV000205546.2), dbSNP rs796052508, ClinGen allele CA314723.